The following is an entry in ClinVar:

ClinVar aggregate classification (germline): Uncertain significance (1 of 4 stars; one submission).

Submission:

GeneDx
Classification: Uncertain significance. Last evaluated: 2024-05-29. Review status: criteria provided, single submitter. Criteria: GeneDx Variant Classification Process June 2021. Collection method: clinical testing. Allele origin: germline. Affected: yes.
Comment: Not observed at significant frequency in large population cohorts (gnomAD); In silico analysis suggests that this missense variant does not alter protein structure/function, but splice predictors indicate that the variant may lead to abnormal gene splicing; Has not been previously published as pathogenic or benign to our knowledge

NM_001161352.2(KCNMA1):c.379G>C (p.Glu127Gln)

Gene: KCNMA1 (potassium calcium-activated channel subfamily M alpha 1; minus strand). Cytogenetic location: 10q22.3.
Variant type: single nucleotide variant.
Coding change: c.379G>C on transcript NM_001161352.2 (MANE Select); coding-DNA position 379, G replaced by C.
Protein change: p.Glu127Gln; replaces glutamic acid 127 with glutamine.
Molecular consequence: missense variant. On other transcripts: intron variant (1).
Genome position (GRCh38, 1-based): chr10:77,404,023, C>G on the plus strand (G>C on the coding strand, the complement: KCNMA1 is on the minus strand). VCF-style: chr10-77404023-C-G. GRCh37 (hg19) VCF-style: chr10-79163781-C-G.
Other names: c.379G>C, p.Glu127Gln (NM_001014797.3, NM_001161353.2, NM_001271519.2 and 8 more transcripts); c.379-152767G>C (NM_001271518.2); short protein forms E127Q.
Identifiers: ClinVar variation 3383549 (VCV003383549.1).